The following is an entry in ClinVar:

NM_016734.3(PAX5):c.313C>A (p.Gln105Lys)

Gene: PAX5 (paired box 5; minus strand). Cytogenetic location: 9p13.2.
Variant type: single nucleotide variant.
Coding change: c.313C>A on transcript NM_016734.3 (MANE Select); coding-DNA position 313, C replaced by A.
Protein change: p.Gln105Lys; replaces glutamine 105 with lysine.
Molecular consequence: missense variant. On other transcripts: 5 prime UTR variant (2), non-coding transcript variant (2), intron variant (1).
Genome position (GRCh38, 1-based): chr9:37,015,094, G>T on the plus strand (C>A on the coding strand, the complement: PAX5 is on the minus strand). VCF-style: chr9-37015094-G-T. GRCh37 (hg19) VCF-style: chr9-37015091-G-T.
Other names: c.313C>A, p.Gln105Lys (NM_001280547.2, NM_001280548.2, NM_001280549.2 and 4 more transcripts); c.-12C>A (NM_001280551.2, NM_001280556.2); c.212+5542C>A (NM_001280555.2); short protein forms Q105K.
Identifiers: ClinVar variation 5026313 (VCV005026313.1).

ClinVar aggregate classification (germline): Uncertain significance (1 of 4 stars; one submission).

Conditions:
Inborn genetic diseases. Identifiers: MedGen C0950123, MeSH D030342.

gnomAD v4.1: 3 of 1,614,184 alleles (0.00019%); highest among the groups gnomAD compares: South Asian, 0.0022%; no homozygotes.

Submission:

Ambry Genetics
Classification: Uncertain significance for Inborn genetic diseases. Last evaluated: 2026-08-15. Review status: criteria provided, single submitter. Criteria: Ambry Variant Classification Scheme 2023. Collection method: clinical testing. Allele origin: germline.
Comment: The p.Q105K variant (also known as c.313C>A), located in coding exon 3 of the PAX5 gene, results from a C to A substitution at nucleotide position 313. The glutamine at codon 105 is replaced by lysine, an amino acid with similar properties. This amino acid position is conserved. In addition, the in silico prediction for this alteration is inconclusive. Based on the available evidence, the clinical significance of this variant remains unclear.